The following is an entry in ClinVar:

ClinVar aggregate classification (germline): Uncertain significance (0 of 4 stars; one submission).

Conditions:
Thrombophilia due to protein S deficiency, autosomal dominant (THPH5). Identifiers: Orphanet 26349, Orphanet 743, MedGen C3278211, MONDO:0012868, OMIM 612336. Disease mechanism: loss of function.

Submission:

Department of Transfusion Medicine and Hemostaseology, University Hospital Erlangen
Classification: Uncertain significance for Thrombophilia due to protein S deficiency, autosomal dominant. Last evaluated: 2025-09-01. Review status: no assertion criteria provided. Collection method: clinical testing. Allele origin: germline.
Comment: This variant was identified during a screening of patients with suspected hereditary Protein S deficiency. Currently, no literature is available describing this variant and according to dbSNP it represents a very rare genetic alteration, previously detected in the European population in heterozygous state only according to the Allele Frequency Aggregator dataset. While varSEAK and SpliceAI classify this variant as likely benign, it is classified as likely pathogenic by CAPICE. Taken together, we classified this variant as of uncertain significance.

NM_000313.4(PROS1):c.76+196_76+197del

Gene: PROS1 (protein S; minus strand). Cytogenetic location: 3q11.1.
Variant type: Microsatellite.
Coding change: c.76+196_76+197del on transcript NM_000313.4 (MANE Select); bases 196 to 197 of the intron after coding-DNA position 76, 2 bases deleted (CA; older notation c.76+196_76+197delCA).
Molecular consequence: intron variant.
Genome position (GRCh38, 1-based): chr3:93,973,477-93,973,478, TG deleted on the plus strand (CA on the coding strand, the reverse complement: PROS1 is on the minus strand); deleting any 2 consecutive bases within chr3:93,973,477-93,973,480 gives the same sequence; the c. name uses the placement nearest the transcript's 3' end. VCF-style (leftmost placement, unchanged base first): chr3-93973476-CTG-C. GRCh37 (hg19) VCF-style: chr3-93692320-CTG-C.
Other names: c.76+196_76+197delCA (NM_000313.4); c.76+196_76+197del (NM_001314077.2).
Identifiers: ClinVar variation 4529465 (VCV004529465.1).